The following is an entry in ClinVar:

NC_000002.11:g.(?_74307117)_(74307868_?)del

Gene: TET3 (tet methylcytosine dioxygenase 3; plus strand). Cytogenetic location: 2p13.1.
Variant type: Deletion.
Identifiers: ClinVar variation 3247489 (VCV003247489.1).

ClinVar aggregate classification (germline): Pathogenic (1 of 4 stars; one submission).

Submission:

Labcorp Genetics (formerly Invitae), Labcorp
Classification: Pathogenic. Last evaluated: 2023-07-18. Review status: criteria provided, single submitter. Criteria: Invitae Variant Classification Sherloc (09022015). Collection method: clinical testing. Allele origin: unknown.
Comment: For these reasons, this variant has been classified as Pathogenic. This variant has not been reported in the literature in individuals affected with TET3-related conditions. This variant is a gross deletion of the genomic region encompassing exon(s) 5 of the TET3 gene. This deletion is out-of-frame, and is expected to create a premature termination codon and result in an absent or disrupted protein product. Loss-of-function variants in TET3 are known to be pathogenic (PMID: 34750377, 31928709).

Literature cited by the submitters: PubMed 34750377; PubMed 31928709.